The following is an entry in ClinVar:

ClinVar aggregate classification (germline): Likely benign. Review status: criteria provided, multiple submitters, no conflicts (2 of 4 stars). 2 submissions from 2 submitters: Likely benign (2). Last evaluated 2025-09-01.

Allele frequency attached by ClinVar (database versions not stated): TOPMed 0.00006; gnomAD 0.00008; 1000 Genomes Project 30x 0.00016; gnomAD exomes 0.00016; ExAC 0.00040; 1000 Genomes Project 0.01298.
gnomAD v4.1: 236 of 1,602,600 alleles (0.015%); highest among the groups gnomAD compares: South Asian, 0.18%; 2 homozygotes.

Submissions (2):

Ambry Genetics
Classification: Likely benign. Last evaluated: 2025-09-01. Review status: criteria provided, single submitter. Criteria: Ambry Variant Classification Scheme 2023. Collection method: clinical testing. Allele origin: germline.

CeGaT Center for Human Genetics Tuebingen
Classification: Likely benign. Last evaluated: 2023-07-01. Review status: criteria provided, single submitter. Criteria: CeGaT Center For Human Genetics Tuebingen Variant Classification Criteria Version 2. Collection method: clinical testing. Allele origin: germline. Affected: yes. Observed: 1 variant allele.
Comment: SPTBN5: BP4, BS2

NM_016642.4(SPTBN5):c.2740A>G (p.Lys914Glu)

Gene: SPTBN5 (spectrin beta, non-erythrocytic 5; minus strand). Cytogenetic location: 15q15.1.
Variant type: single nucleotide variant.
Coding change: c.2740A>G on transcript NM_016642.4 (MANE Select); coding-DNA position 2740, A replaced by G.
Protein change: p.Lys914Glu; replaces lysine 914 with glutamic acid.
Molecular consequence: missense variant.
Genome position (GRCh38, 1-based): chr15:41,880,231, T>C on the plus strand (A>G on the coding strand, the complement: SPTBN5 is on the minus strand). VCF-style: chr15-41880231-T-C. GRCh37 (hg19) VCF-style: chr15-42172429-T-C.
Other names: c.2635A>G (NM_016642.2); short protein forms K914E.
Identifiers: ClinVar variation 2645229 (VCV002645229.25), dbSNP rs200948092, ClinGen allele CA7503835.